The following is an entry in ClinVar:

NM_001291088.2(WDR87):c.4049C>T (p.Pro1350Leu)

Gene: WDR87 (WD repeat domain 87; minus strand). Cytogenetic location: 19q13.13.
Variant type: single nucleotide variant.
Coding change: c.4049C>T on transcript NM_001291088.2 (MANE Select); coding-DNA position 4049, C replaced by T.
Protein change: p.Pro1350Leu; replaces proline 1350 with leucine.
Molecular consequence: missense variant.
Genome position (GRCh38, 1-based): chr19:37,889,622, G>A on the plus strand (C>T on the coding strand, the complement: WDR87 is on the minus strand). VCF-style: chr19-37889622-G-A. GRCh37 (hg19) VCF-style: chr19-38380262-G-A.
Other names: c.3932C>T, p.Pro1311Leu (NM_031951.5); short protein forms P1311L, P1350L.
Identifiers: ClinVar variation 1555324 (VCV001555324.22), dbSNP rs148940145, ClinGen allele CA9408681.

ClinVar aggregate classification (germline): Conflicting classifications of pathogenicity. Review status: criteria provided, conflicting classifications (1 of 4 stars). 3 submissions from 3 submitters: Uncertain significance (1); Likely benign (2). Last evaluated 2025-11-10.

Allele frequency attached by ClinVar (database versions not stated): gnomAD exomes 0.00025 and 0.00054; ExAC 0.00077; gnomAD 0.00177 and 0.00190; 1000 Genomes Project 0.00180; 1000 Genomes Project 30x 0.00187; ESP Exome Variant Server 0.00197; TOPMed 0.00227.
gnomAD v4.1: 637 of 1,551,634 alleles (0.041%); highest among the groups gnomAD compares: African/African-American, 0.66%; 1 homozygote.

Submissions (3):

Labcorp Genetics (formerly Invitae), Labcorp
Classification: Likely benign. Last evaluated: 2025-11-10. Review status: criteria provided, single submitter. Criteria: Invitae Variant Classification Sherloc (09022015). Collection method: clinical testing. Allele origin: germline.

CeGaT Center for Human Genetics Tuebingen
Classification: Uncertain significance. Last evaluated: 2025-02-01. Review status: criteria provided, single submitter. Criteria: CeGaT Center For Human Genetics Tuebingen Variant Classification Criteria Version 2. Collection method: clinical testing. Allele origin: germline. Affected: yes. Observed: 1 variant allele.
Comment: WDR87: PP2, BP4

Breakthrough Genomics
Classification: Likely benign. Review status: criteria provided, single submitter. Criteria: ACMG Guidelines, 2015. Collection method: not provided. Allele origin: germline. Inheritance: Unknown mechanism. Affected: yes.